The following is an entry in ClinVar:

ClinVar aggregate classification (germline): Uncertain significance. Review status: criteria provided, multiple submitters, no conflicts (2 of 4 stars). 2 submissions from 2 submitters: Uncertain significance (2). Last evaluated 2024-04-02.

Conditions:
Nephronophthisis 16 (NPHP16). Identifiers: Orphanet 655, MedGen C3809320, MONDO:0014158, OMIM 615382.

Allele frequency attached by ClinVar (database versions not stated): gnomAD exomes 0.00003; ExAC 0.00003; gnomAD 0.00005; TOPMed 0.00007.
gnomAD v4.1: 30 of 1,564,774 alleles (0.0019%); highest among the groups gnomAD compares: African/African-American, 0.0081%; no homozygotes.

Submissions (2):

Fulgent Genetics
Classification: Uncertain significance for Nephronophthisis 16. Last evaluated: 2024-04-02. Review status: criteria provided, single submitter. Criteria: ACMG Guidelines, 2015. Collection method: clinical testing. Allele origin: germline.

Labcorp Genetics (formerly Invitae), Labcorp
Classification: Uncertain significance for Nephronophthisis 16. Last evaluated: 2022-05-24. Review status: criteria provided, single submitter. Criteria: Invitae Variant Classification Sherloc (09022015). Collection method: clinical testing. Allele origin: germline.
Comment: In summary, the available evidence is currently insufficient to determine the role of this variant in disease. Therefore, it has been classified as a Variant of Uncertain Significance. Algorithms developed to predict the effect of missense changes on protein structure and function output the following: SIFT: "Tolerated"; PolyPhen-2: "Benign"; Align-GVGD: "Class C0". The isoleucine amino acid residue is found in multiple mammalian species, which suggests that this missense change does not adversely affect protein function. ClinVar contains an entry for this variant (Variation ID: 474455). This variant has not been reported in the literature in individuals affected with ANKS6-related conditions. This variant is present in population databases (rs748439897, gnomAD 0.007%). This sequence change replaces valine, which is neutral and non-polar, with isoleucine, which is neutral and non-polar, at codon 283 of the ANKS6 protein (p.Val283Ile).

NM_173551.5(ANKS6):c.847G>A (p.Val283Ile)

Gene: ANKS6 (ankyrin repeat and sterile alpha motif domain containing 6; minus strand). Cytogenetic location: 9q22.33.
Variant type: single nucleotide variant.
Coding change: c.847G>A on transcript NM_173551.5 (MANE Select); coding-DNA position 847, G replaced by A.
Protein change: p.Val283Ile; replaces valine 283 with isoleucine.
Molecular consequence: missense variant.
Genome position (GRCh38, 1-based): chr9:98,790,119, C>T on the plus strand (G>A on the coding strand, the complement: ANKS6 is on the minus strand). VCF-style: chr9-98790119-C-T. GRCh37 (hg19) VCF-style: chr9-101552401-C-T.
Other names: short protein forms V283I.
Identifiers: ClinVar variation 474455 (VCV000474455.10), dbSNP rs748439897, ClinGen allele CA5153732.